The following is an entry in ClinVar:

NM_002834.5(PTPN11):c.977G>A (p.Ser326Asn)

Gene: PTPN11 (protein tyrosine phosphatase non-receptor type 11; plus strand). Cytogenetic location: 12q24.13.
Variant type: single nucleotide variant.
Coding change: c.977G>A on transcript NM_002834.5 (MANE Select); coding-DNA position 977, G replaced by A.
Protein change: p.Ser326Asn; replaces serine 326 with asparagine.
Molecular consequence: missense variant.
Genome position (GRCh38, 1-based): chr12:112,477,900, G>A. VCF-style: chr12-112477900-G-A. GRCh37 (hg19) VCF-style: chr12-112915704-G-A.
Other names: c.977G>A, p.Ser326Asn (NM_001330437.2, NM_080601.3); c.974G>A, p.Ser325Asn (NM_001374625.1); short protein forms S325N, S326N.
Identifiers: ClinVar variation 4781104 (VCV004781104.2).
Genomic context (GRCh38, chr12:112,477,900, plus strand): 5'-TCTTCCTAAATTTCTAGCCTGAATTTGAAACCAAGTGCAACAATTCAAAGCCCAAAAAGA[G>A]TTACATTGCCACACAAGGCTGCCTGCAAAACACGGTGAATGACTTTTGGCGGATGGTGTT-3'
Protein context (NP_002825.3, residues 316-336): TKCNNSKPKK[Ser326Asn]YIATQGCLQN

ClinVar aggregate classification (germline): Uncertain significance. Review status: criteria provided, multiple submitters, no conflicts (2 of 4 stars). 2 submissions from 2 submitters: Uncertain significance (2). Last evaluated 2026-08-09.

Conditions:
Cardiovascular phenotype. Identifiers: MedGen CN230736.
RASopathy. Also called: rasopathies; Noonan spectrum disorder. Identifiers: Orphanet 536391, MedGen C5555857, MONDO:0021060.

gnomAD v4.1: 4 of 1,614,196 alleles (0.00025%); highest among the groups gnomAD compares: Non-Finnish European, 0.00025%; no homozygotes.

Submissions (2):

Ambry Genetics
Classification: Uncertain significance for Cardiovascular phenotype. Last evaluated: 2026-08-09. Review status: criteria provided, single submitter. Criteria: Ambry Variant Classification Scheme 2023. Collection method: clinical testing. Allele origin: germline.
Comment: The p.S326N variant (also known as c.977G>A), located in coding exon 9 of the PTPN11 gene, results from a G to A substitution at nucleotide position 977. The serine at codon 326 is replaced by asparagine, an amino acid with highly similar properties. This amino acid position is conserved. In addition, the in silico prediction for this alteration is inconclusive. Based on the available evidence, the clinical significance of this variant remains unclear.

Labcorp Genetics (formerly Invitae), Labcorp
Classification: Uncertain significance for RASopathy. Last evaluated: 2025-03-19. Review status: criteria provided, single submitter. Criteria: Invitae Variant Classification Sherloc (09022015). Collection method: clinical testing. Allele origin: germline.
Comment: This sequence change replaces serine, which is neutral and polar, with asparagine, which is neutral and polar, at codon 326 of the PTPN11 protein (p.Ser326Asn). This variant is not present in population databases (gnomAD no frequency). This variant has not been reported in the literature in individuals affected with PTPN11-related conditions. Invitae Evidence Modeling of protein sequence and biophysical properties (such as structural, functional, and spatial information, amino acid conservation, physicochemical variation, residue mobility, and thermodynamic stability) indicates that this missense variant is not expected to disrupt PTPN11 protein function with a negative predictive value of 80%. In summary, the available evidence is currently insufficient to determine the role of this variant in disease. Therefore, it has been classified as a Variant of Uncertain Significance.